The following is an entry in ClinVar:

ClinVar aggregate classification (germline): Uncertain significance (1 of 4 stars; one submission).

Conditions:
Congenital myopathy with internal nuclei and atypical cores. Also called: Myopathy, centronuclear, 4. Identifiers: Orphanet 319160, MedGen C4707232, MONDO:0013890, OMIM 614807.

Submission:

Labcorp Genetics (formerly Invitae), Labcorp
Classification: Uncertain significance for Congenital myopathy with internal nuclei and atypical cores. Last evaluated: 2019-06-05. Review status: criteria provided, single submitter. Criteria: Invitae Variant Classification Sherloc (09022015). Collection method: clinical testing. Allele origin: germline.
Comment: In summary, the available evidence is currently insufficient to determine the role of this variant in disease. Therefore, it has been classified as a Variant of Uncertain Significance. Algorithms developed to predict the effect of missense changes on protein structure and function (SIFT, PolyPhen-2, Align-GVGD) all suggest that this variant is likely to be tolerated, but these predictions have not been confirmed by published functional studies and their clinical significance is uncertain. This variant has not been reported in the literature in individuals with CCDC78-related conditions. This variant is not present in population databases (ExAC no frequency). This sequence change replaces alanine with lysine at codon 319 of the CCDC78 protein (p.Ala319Lys). The alanine residue is moderately conserved and there is a moderate physicochemical difference between alanine and lysine.

NM_001378030.1(CCDC78):c.955_956delinsAA (p.Ala319Lys)

Gene: CCDC78 (coiled-coil domain containing 78; minus strand). Cytogenetic location: 16p13.3.
Variant type: Indel.
Coding change: c.955_956delinsAA on transcript NM_001378030.1 (MANE Select); coding-DNA positions 955 to 956, GC replaced by AA.
Protein change: p.Ala319Lys; replaces alanine 319 with lysine.
Molecular consequence: missense variant. On other transcripts: non-coding transcript variant (5), intron variant (1).
Genome position (GRCh38, 1-based): chr16:724,203-724,204, GC replaced by TT on the plus strand (GC replaced by AA on the coding strand, the reverse complement: CCDC78 is on the minus strand). VCF-style: chr16-724203-GC-TT. GRCh37 (hg19) VCF-style: chr16-774203-GC-TT.
Other names: c.955_956delinsAA, p.Ala319Lys (NM_001031737.3); c.388_389delinsAA, p.Ala130Lys (NM_001378033.1); c.953+118_953+119delinsAA (NM_001378031.1); short protein forms A130K, A319K.
Identifiers: ClinVar variation 946851 (VCV000946851.8), dbSNP rs2040592043, ClinGen allele CA1139664218.
Genomic context (GRCh38, chr16:724,203, plus strand): 5'-ACGGGCAATGGTTCCAGGTCCAAGCTGGCTATGTCAAAAATAGCTTGGGGGTTCCCAGGT[GC>TT]CCTGTCAGGGTAGGCTAGTGTCTGTCTGGGGCCACTCCTGCTGCACACCAAGCCTTTGAG-3'
Protein context (NP_001364959.1, residues 309-329): RHEELLVAYR[Ala319Lys]PGNPQAIFDI